The following is an entry in ClinVar:

NM_005901.6(SMAD2):c.544C>T (p.Arg182Ter)

Gene: SMAD2 (SMAD family member 2; minus strand). Cytogenetic location: 18q21.1.
Variant type: single nucleotide variant.
Coding change: c.544C>T on transcript NM_005901.6 (MANE Select); coding-DNA position 544, C replaced by T.
Protein change: p.Arg182Ter; replaces arginine 182 with a stop codon.
Molecular consequence: nonsense.
Genome position (GRCh38, 1-based): chr18:47,868,434, G>A on the plus strand (C>T on the coding strand, the complement: SMAD2 is on the minus strand). VCF-style: chr18-47868434-G-A. GRCh37 (hg19) VCF-style: chr18-45394805-G-A.
Other names: c.544C>T, p.Arg182Ter (NM_001003652.4); c.454C>T, p.Arg152Ter (NM_001135937.3); short protein forms R152*, R182*.
Identifiers: ClinVar variation 1187876 (VCV001187876.7), dbSNP rs370352616, ClinGen allele CA402501743.

ClinVar aggregate classification (germline): Pathogenic. Review status: criteria provided, multiple submitters, no conflicts (2 of 4 stars). 3 submissions from 3 submitters: Pathogenic (2). 1 of the submissions does not count toward it. Last evaluated 2025-10-13.

Conditions:
Familial thoracic aortic aneurysm and aortic dissection (TAAD). Also called: Thoracic aortic aneurysms and dissections. Identifiers: Orphanet 91387, MedGen C4707243, MONDO:0019625.

gnomAD v4.1: 1 of 1,608,212 alleles (0.000062%); highest among the groups gnomAD compares: Non-Finnish European, 0.000085%; no homozygotes.

Submissions (3):

Labcorp Genetics (formerly Invitae), Labcorp
Classification: Pathogenic. Last evaluated: 2025-10-13. Review status: criteria provided, single submitter. Criteria: Invitae Variant Classification Sherloc (09022015). Collection method: clinical testing. Allele origin: germline.
Comment: This sequence change creates a premature translational stop signal (p.Arg182*) in the SMAD2 gene. It is expected to result in an absent or disrupted protein product. Loss-of-function variants in SMAD2 are known to be pathogenic (PMID: 30157302, 40028843). This variant is not present in population databases (gnomAD no frequency). This premature translational stop signal has been observed in individual(s) with clinical features of SMAD2-related conditions (internal data). ClinVar contains an entry for this variant (Variation ID: 1187876). For these reasons, this variant has been classified as Pathogenic.

GeneDx
Classification: Pathogenic. Last evaluated: 2025-03-26. Review status: criteria provided, single submitter. Criteria: GeneDx Variant Classification Process June 2021. Collection method: clinical testing. Allele origin: germline. Affected: yes.
Comment: Nonsense variant predicted to result in protein truncation or nonsense mediated decay in a gene for which loss of function is a known mechanism of disease; Not observed in large population cohorts (gnomAD); Has not been previously reported as a pathogenic or benign germline variant to our knowledge; This variant is associated with the following publications: (PMID: 25123297)

Département de Génétique, Hôpital Bichat, Assistance Publique Hôpitaux de Paris
Classification: Likely pathogenic for Familial thoracic aortic aneurysm and aortic dissection. Last evaluated: 2025-05-27. Review status: no assertion criteria provided. Collection method: clinical testing. Allele origin: germline. Affected: yes. Not counted in ClinVar's aggregate classification.

Literature cited by the submitters: PubMed 30157302 (cited by Labcorp Genetics (formerly Invitae), Labcorp); PubMed 40028843 (cited by Labcorp Genetics (formerly Invitae), Labcorp).